The following is an entry in ClinVar:

NM_004944.4(DNASE1L3):c.7C>T (p.Arg3Trp)

Gene: DNASE1L3 (deoxyribonuclease 1L3; minus strand). Cytogenetic location: 3p14.3.
Variant type: single nucleotide variant.
Coding change: c.7C>T on transcript NM_004944.4 (MANE Select); coding-DNA position 7, C replaced by T.
Protein change: p.Arg3Trp; replaces arginine 3 with tryptophan.
Molecular consequence: missense variant.
Genome position (GRCh38, 1-based): chr3:58,210,900, G>A on the plus strand (C>T on the coding strand, the complement: DNASE1L3 is on the minus strand). VCF-style: chr3-58210900-G-A. GRCh37 (hg19) VCF-style: chr3-58196627-G-A.
Other names: c.7C>T, p.Arg3Trp (NM_001256560.2); short protein forms R3W.
Identifiers: ClinVar variation 1437952 (VCV001437952.6), dbSNP rs202183427, ClinGen allele CA2470152.
Genomic context (GRCh38, chr3:58,210,900, plus strand): 5'-TCCTCATGGCCAGGGCGCTGTGGATGGAGAGGAGGAGAAGCAGCAGTGGGGCCAGCTCCC[G>A]TGACATCCTGGCGCTGCTCTGGCTTCAAGACTCTGTGAGAAGACAGCAGTGCTTGGAGTG-3'
Protein context (NP_004935.1, residues 1-13): MS[Arg3Trp]ELAPLLLLLL

ClinVar aggregate classification (germline): Uncertain significance. Review status: criteria provided, multiple submitters, no conflicts (2 of 4 stars). 2 submissions from 2 submitters: Uncertain significance (2). Last evaluated 2024-06-03.

Conditions:
Autosomal systemic lupus erythematosus type 16. Also called: Systemic lupus erythematosus 16. Identifiers: Orphanet 300345, MedGen C3280742, MONDO:0013743, OMIM 614420.

Allele frequency attached by ClinVar (database versions not stated): 1000 Genomes Project 30x 0.00016; 1000 Genomes Project 0.00020; ESP Exome Variant Server 0.00031.
gnomAD v4.1: 134 of 1,613,766 alleles (0.0083%); highest among the groups gnomAD compares: African/African-American, 0.079%; no homozygotes.

Submissions (2):

Fulgent Genetics
Classification: Uncertain significance for Autosomal systemic lupus erythematosus type 16. Last evaluated: 2024-06-03. Review status: criteria provided, single submitter. Criteria: ACMG Guidelines, 2015. Collection method: clinical testing. Allele origin: germline.

Labcorp Genetics (formerly Invitae), Labcorp
Classification: Uncertain significance. Last evaluated: 2022-07-19. Review status: criteria provided, single submitter. Criteria: Invitae Variant Classification Sherloc (09022015). Collection method: clinical testing. Allele origin: germline.
Comment: This sequence change replaces arginine, which is basic and polar, with tryptophan, which is neutral and slightly polar, at codon 3 of the DNASE1L3 protein (p.Arg3Trp). This variant is present in population databases (rs202183427, gnomAD 0.1%). This variant has not been reported in the literature in individuals affected with DNASE1L3-related conditions. ClinVar contains an entry for this variant (Variation ID: 1437952). Algorithms developed to predict the effect of missense changes on protein structure and function are either unavailable or do not agree on the potential impact of this missense change (SIFT: "Tolerated"; PolyPhen-2: "Possibly Damaging"; Align-GVGD: "Class C0"). In summary, the available evidence is currently insufficient to determine the role of this variant in disease. Therefore, it has been classified as a Variant of Uncertain Significance.